The following is an entry in ClinVar:

ClinVar aggregate classification (germline): Uncertain significance (1 of 4 stars; one submission).

gnomAD v4.1: 3 of 1,614,118 alleles (0.00019%); highest among the groups gnomAD compares: Non-Finnish European, 0.00017%; no homozygotes.

Submission:

Women's Health and Genetics/Laboratory Corporation of America, LabCorp
Classification: Uncertain significance. Last evaluated: 2025-04-18. Review status: criteria provided, single submitter. Criteria: LabCorp Variant Classification Summary - May 2015. Collection method: clinical testing. Allele origin: germline.
Comment: Variant summary: NSD1 c.3670G>T (p.Ala1224Ser) results in a conservative amino acid change in the encoded protein sequence. Five of five in-silico tools predict a benign effect of the variant on protein function. The variant was absent in 251474 control chromosomes. The available data on variant occurrences in the general population are insufficient to allow any conclusion about variant significance. To our knowledge, no occurrence of c.3670G>T in individuals affected with Sotos Syndrome and no experimental evidence demonstrating its impact on protein function have been reported. No submitters have cited clinical-significance assessments for this variant to ClinVar. Based on the evidence outlined above, the variant was classified as uncertain significance.

NM_022455.5(NSD1):c.3670G>T (p.Ala1224Ser)

Gene: NSD1 (nuclear receptor binding SET domain protein 1; plus strand). Cytogenetic location: 5q35.3.
Variant type: single nucleotide variant.
Coding change: c.3670G>T on transcript NM_022455.5 (MANE Select); coding-DNA position 3670, G replaced by T.
Protein change: p.Ala1224Ser; replaces alanine 1224 with serine.
Molecular consequence: missense variant.
Genome position (GRCh38, 1-based): chr5:177,212,069, G>T. VCF-style: chr5-177212069-G-T. GRCh37 (hg19) VCF-style: chr5-176639070-G-T.
Other names: c.2797G>T, p.Ala933Ser (NM_001365684.2, NM_001409306.1, NM_001409307.1 and 3 more transcripts); c.3670G>T, p.Ala1224Ser (NM_001409301.1, NM_001409302.1, NM_001409303.1); c.3250G>T, p.Ala1084Ser (NM_001409304.1); c.2917G>T, p.Ala973Ser (NM_001409305.1); short protein forms A1084S, A1224S, A933S, A973S.
Identifiers: ClinVar variation 3896187 (VCV003896187.2).